The following is an entry in ClinVar:

NM_001393769.1(MED12L):c.2212C>A (p.Arg738Ser)

Gene: MED12L (mediator complex subunit 12L; plus strand). Cytogenetic location: 3q25.1.
Variant type: single nucleotide variant.
Coding change: c.2212C>A on transcript NM_001393769.1 (MANE Select); coding-DNA position 2212, C replaced by A.
Protein change: p.Arg738Ser; replaces arginine 738 with serine.
Molecular consequence: missense variant.
Genome position (GRCh38, 1-based): chr3:151,193,628, C>A. VCF-style: chr3-151193628-C-A. GRCh37 (hg19) VCF-style: chr3-150911415-C-A.
Other names: c.2107C>A, p.Arg703Ser (NM_053002.6); short protein forms R703S, R738S.
Identifiers: ClinVar variation 4690053 (VCV004690053.1).

ClinVar aggregate classification (germline): Uncertain significance (1 of 4 stars; one submission).

Submission:

GeneDx
Classification: Uncertain significance. Last evaluated: 2025-07-27. Review status: criteria provided, single submitter. Criteria: GeneDx Variant Classification Process June 2021. Collection method: clinical testing. Allele origin: germline. Affected: yes.
Comment: Not observed at significant frequency in large population cohorts (gnomAD); In silico analysis supports that this missense variant has a deleterious effect on protein structure/function; Has not been previously published as pathogenic or benign to our knowledge